The following is an entry in ClinVar:

NM_000419.5(ITGA2B):c.1745T>G (p.Phe582Cys)

Gene: ITGA2B (integrin subunit alpha 2b; minus strand). Cytogenetic location: 17q21.31.
Variant type: single nucleotide variant.
Coding change: c.1745T>G on transcript NM_000419.5 (MANE Select); coding-DNA position 1745, T replaced by G.
Protein change: p.Phe582Cys; replaces phenylalanine 582 with cysteine.
Molecular consequence: missense variant.
Genome position (GRCh38, 1-based): chr17:44,380,009, A>C on the plus strand (T>G on the coding strand, the complement: ITGA2B is on the minus strand). VCF-style: chr17-44380009-A-C. GRCh37 (hg19) VCF-style: chr17-42457377-A-C.
Other names: short protein forms F582C.
Identifiers: ClinVar variation 4747515 (VCV004747515.1).

ClinVar aggregate classification (germline): Uncertain significance (1 of 4 stars; one submission).

Conditions:
Glanzmann thrombasthenia. Also called: BLEEDING DISORDER, PLATELET-TYPE, 2; THROMBASTHENIA OF GLANZMANN AND NAEGELI; PLATELET GLYCOPROTEIN IIb-IIIa DEFICIENCY; Glanzmann's thrombasthenia; Thrombasthenia. Identifiers: Orphanet 849, MedGen C0040015, MONDO:0100326.

Submission:

Labcorp Genetics (formerly Invitae), Labcorp
Classification: Uncertain significance for Glanzmann thrombasthenia. Last evaluated: 2025-07-16. Review status: criteria provided, single submitter. Criteria: Invitae Variant Classification Sherloc (09022015). Collection method: clinical testing. Allele origin: germline.
Comment: This sequence change replaces phenylalanine, which is neutral and non-polar, with cysteine, which is neutral and slightly polar, at codon 582 of the ITGA2B protein (p.Phe582Cys). This variant is not present in population databases (gnomAD no frequency). This missense change has been observed in individual(s) with ITGA2B-related conditions (PMID: 36964972). Invitae Evidence Modeling of protein sequence and biophysical properties (such as structural, functional, and spatial information, amino acid conservation, physicochemical variation, residue mobility, and thermodynamic stability) indicates that this missense variant is expected to disrupt ITGA2B protein function with a positive predictive value of 95%. In summary, the available evidence is currently insufficient to determine the role of this variant in disease. Therefore, it has been classified as a Variant of Uncertain Significance.

Literature cited by the submitters: PubMed 36964972.